The following is an entry in ClinVar:

NM_001999.4(FBN2):c.4950C>G (p.Asp1650Glu)

Gene: FBN2 (fibrillin 2; minus strand). Cytogenetic location: 5q23.3.
Variant type: single nucleotide variant.
Coding change: c.4950C>G on transcript NM_001999.4 (MANE Select); coding-DNA position 4950, C replaced by G.
Protein change: p.Asp1650Glu; replaces aspartic acid 1650 with glutamic acid.
Molecular consequence: missense variant.
Genome position (GRCh38, 1-based): chr5:128,311,424, G>C on the plus strand (C>G on the coding strand, the complement: FBN2 is on the minus strand). VCF-style: chr5-128311424-G-C. GRCh37 (hg19) VCF-style: chr5-127647116-G-C.
Other names: short protein forms D1650E.
Identifiers: ClinVar variation 4635382 (VCV004635382.1).
Genomic context (GRCh38, chr5:128,311,424, plus strand): 5'-AAAAGTGTTGATGCAGTTTCCACCCTGGCAGAGACCTGGTAACTCCTGGCATTCGTCAAT[G>C]TCTACAAAAAGGGAGACAGTGCACTTAAAACAAACACCTTCACTAAGGATAAGAGTTAAT-3'
Protein context (NP_001990.2, residues 1640-1660): RPNPITIILE[Asp1650Glu]IDECQELPGL

ClinVar aggregate classification (germline): Uncertain significance (1 of 4 stars; one submission).

Conditions:
Familial thoracic aortic aneurysm and aortic dissection (TAAD). Also called: Thoracic aortic aneurysms and dissections. Identifiers: Orphanet 91387, MedGen C4707243, MONDO:0019625.

Submission:

Ambry Genetics
Classification: Uncertain significance for Familial thoracic aortic aneurysm and aortic dissection. Last evaluated: 2025-12-12. Review status: criteria provided, single submitter. Criteria: Ambry Variant Classification Scheme 2023. Collection method: clinical testing. Allele origin: germline.
Comment: The p.D1650E variant (also known as c.4950C>G), located in coding exon 39 of the FBN2 gene, results from a C to G substitution at nucleotide position 4950. The aspartic acid at codon 1650 is replaced by glutamic acid, an amino acid with highly similar properties. This amino acid position is highly conserved in available vertebrate species. In addition, the in silico prediction for this alteration is inconclusive. Based on the available evidence, the clinical significance of this variant remains unclear.